The following is an entry in ClinVar:

ClinVar aggregate classification (germline): Likely pathogenic (1 of 4 stars; one submission).

Submission:

GeneDx
Classification: Likely pathogenic. Last evaluated: 2024-09-12. Review status: criteria provided, single submitter. Criteria: GeneDx Variant Classification Process June 2021. Collection method: clinical testing. Allele origin: germline. Affected: yes.
Comment: Has not been previously published as pathogenic or benign to our knowledge; Not observed at significant frequency in large population cohorts (gnomAD); In silico analysis supports that this missense variant has a deleterious effect on protein structure/function

NM_007279.3(U2AF2):c.368C>T (p.Pro123Leu)

Gene: U2AF2 (U2 small nuclear RNA auxiliary factor 2; plus strand). Cytogenetic location: 19q13.42.
Variant type: single nucleotide variant.
Coding change: c.368C>T on transcript NM_007279.3 (MANE Select); coding-DNA position 368, C replaced by T.
Protein change: p.Pro123Leu; replaces proline 123 with leucine.
Molecular consequence: missense variant.
Genome position (GRCh38, 1-based): chr19:55,661,071, C>T. VCF-style: chr19-55661071-C-T. GRCh37 (hg19) VCF-style: chr19-56172437-C-T.
Other names: c.368C>T, p.Pro123Leu (NM_001012478.2); short protein forms P123L.
Identifiers: ClinVar variation 3769848 (VCV003769848.1).